The following is an entry in ClinVar:

ClinVar aggregate classification (germline): Pathogenic (1 of 4 stars; one submission).

Conditions:
Hereditary nonpolyposis colorectal neoplasms. Identifiers: MedGen C0009405, MeSH D003123.

Submission:

Labcorp Genetics (formerly Invitae), Labcorp
Classification: Pathogenic for Hereditary nonpolyposis colorectal neoplasms. Last evaluated: 2025-02-15. Review status: criteria provided, single submitter. Criteria: Invitae Variant Classification Sherloc (09022015). Collection method: clinical testing. Allele origin: germline.
Comment: This sequence change creates a premature translational stop signal (p.Pro404Phefs*53) in the PMS2 gene. It is expected to result in an absent or disrupted protein product. Loss-of-function variants in PMS2 are known to be pathogenic (PMID: 21376568, 24362816). This variant is not present in population databases (gnomAD no frequency). This premature translational stop signal has been observed in individual(s) with clinical features of Lynch syndrome (PMID: 28529006). ClinVar contains an entry for this variant (Variation ID: 1074598). For these reasons, this variant has been classified as Pathogenic.

Literature cited by the submitters: PubMed 21376568; PubMed 24362816; PubMed 28529006.

NM_000535.7(PMS2):c.1210_1211del (p.Pro404fs)

Gene: PMS2 (PMS1 homolog 2, mismatch repair system component; minus strand). Cytogenetic location: 7p22.1.
Variant type: Deletion.
Coding change: c.1210_1211del on transcript NM_000535.7 (MANE Select); coding-DNA positions 1210 to 1211, 2 bases deleted (CC; older notation c.1210_1211delCC).
Protein change: p.Pro404fs; shifts the reading frame from proline 404.
Molecular consequence: frameshift variant. On other transcripts: non-coding transcript variant (1).
Genome position (GRCh38, 1-based): chr7:5,987,554-5,987,555, GG deleted on the plus strand (CC on the coding strand, the reverse complement: PMS2 is on the minus strand); deleting any 2 consecutive bases within chr7:5,987,554-5,987,557 gives the same sequence; the c. name uses the placement nearest the transcript's 3' end. VCF-style (leftmost placement, unchanged base first): chr7-5987553-AGG-A. GRCh37 (hg19) VCF-style: chr7-6027184-AGG-A.
Other names: c.805_806del, p.Pro269fs (NM_001322003.2, NM_001322004.2, NM_001322005.2 and 1 more transcripts); c.1054_1055del, p.Pro352fs (NM_001322006.2); c.892_893del, p.Pro298fs (NM_001322007.2, NM_001322008.2); c.649_650del, p.Pro217fs (NM_001322010.2); c.277_278del, p.Pro93fs (NM_001322011.2, NM_001322012.2); c.637_638del, p.Pro213fs (NM_001322013.2); c.1210_1211del, p.Pro404fs (NM_001322014.2); c.901_902del, p.Pro301fs (NM_001322015.2); short protein forms P213fs, P217fs, P269fs, P298fs, P301fs, P352fs, P404fs, P93fs.
Identifiers: ClinVar variation 1074598 (VCV001074598.9), dbSNP rs2128736116, ClinGen allele CA2499218962.